The following is an entry in ClinVar:

ClinVar aggregate classification (germline): Uncertain significance (1 of 4 stars; one submission).

Conditions:
Familial hypokalemia-hypomagnesemia (GTLMNS). Also called: HYPOMAGNESEMIA-HYPOKALEMIA, PRIMARY RENOTUBULAR, WITH HYPOCALCIURIA; POTASSIUM AND MAGNESIUM DEPLETION; gitelman syndrome. Identifiers: Orphanet 358, MedGen C0268450, MONDO:0009904, OMIM 263800.

gnomAD v4.1: 1 of 1,614,178 alleles (0.000062%); highest among the groups gnomAD compares: Non-Finnish European, 0.000085%; no homozygotes.

Submission:

3billion
Classification: Uncertain significance for Familial hypokalemia-hypomagnesemia. Last evaluated: 2025-02-10. Review status: criteria provided, single submitter. Criteria: ACMG Guidelines, 2015. Collection method: clinical testing. Allele origin: germline. Affected: yes.
Comment: The variant is observed at an extremely low frequency in the gnomAD v4.1.0 dataset (total allele frequency: <0.001%). Predicted Consequence/Location: Missense variant In silico tool predictions suggest damaging effect of the variant on gene or gene product [REVEL: 0.50 (>=0.6, sensitivity 0.68 and specificity 0.92); 3Cnet: 0.97 (>=0.6, sensitivity 0.72 and precision 0.9)]. The same nucleotide change resulting in the same amino acid change has been previously reported to be associated with SLC12A3-related disorder (PMID: 21415153). However, the evidence of pathogenicity is insufficient at this time. Therefore, this variant is classified as VUS according to the recommendation of ACMG/AMP guideline.

Literature cited by the submitters: PubMed 21415153.

NM_001126108.2(SLC12A3):c.3033C>A (p.Asn1011Lys)

Genes: SLC12A3 (solute carrier family 12 member 3; plus strand), LOC126862361 (CDK7 strongly-dependent group 2 enhancer GRCh37_chr16:56946332-56947531; plus strand). Cytogenetic location: 16q13.
Variant type: single nucleotide variant.
Coding change: c.3033C>A on transcript NM_001126108.2 (MANE Select); coding-DNA position 3033, C replaced by A.
Protein change: p.Asn1011Lys; replaces asparagine 1011 with lysine.
Molecular consequence: missense variant.
Genome position (GRCh38, 1-based): chr16:56,913,372, C>A. VCF-style: chr16-56913372-C-A. GRCh37 (hg19) VCF-style: chr16-56947284-C-A.
Other names: c.3060C>A, p.Asn1020Lys (NM_000339.3); c.3057C>A, p.Asn1019Lys (NM_001126107.2); c.3030C>A, p.Asn1010Lys (NM_001410896.1); short protein forms N1010K, N1011K, N1019K, N1020K.
Identifiers: ClinVar variation 4292111 (VCV004292111.1).